The following is an entry in ClinVar:

NM_001378328.1(CELSR1):c.521C>A (p.Pro174Gln)

Gene: CELSR1 (cadherin EGF LAG seven-pass G-type receptor 1; minus strand). Cytogenetic location: 22q13.31.
Variant type: single nucleotide variant.
Coding change: c.521C>A on transcript NM_001378328.1 (MANE Select); coding-DNA position 521, C replaced by A.
Protein change: p.Pro174Gln; replaces proline 174 with glutamine.
Molecular consequence: missense variant.
Genome position (GRCh38, 1-based): chr22:46,536,650, G>T on the plus strand (C>A on the coding strand, the complement: CELSR1 is on the minus strand). VCF-style: chr22-46536650-G-T. GRCh37 (hg19) VCF-style: chr22-46932547-G-T.
Other names: c.521C>A, p.Pro174Gln (NM_014246.4); short protein forms P174Q.
Identifiers: ClinVar variation 3490027 (VCV003490027.2).

ClinVar aggregate classification (germline): Uncertain significance. Review status: criteria provided, multiple submitters, no conflicts (2 of 4 stars). 2 submissions from 2 submitters: Uncertain significance (2). Last evaluated 2026-08-24.

Conditions:
CELSR1-related disorder. Also called: CELSR1-related condition.

gnomAD v4.1: 18 of 1,168,066 alleles (0.0015%); highest among the groups gnomAD compares: Middle Eastern, 0.07%; no homozygotes.

Submissions (2):

PreventionGenetics, part of Exact Sciences
Classification: Uncertain significance for CELSR1-related condition. Last evaluated: 2026-08-24. Review status: criteria provided, single submitter. Criteria: ACMG Guidelines, 2015. Collection method: clinical testing. Allele origin: germline.
Comment: The CELSR1 c.521C>A variant is predicted to result in the amino acid substitution p.Pro174Gln. To our knowledge, this variant has not been reported in the literature or in a large population database (gnomAD), indicating this variant is rare. At this time, the clinical significance of this variant is uncertain due to the absence of conclusive functional and genetic evidence.

Ambry Genetics
Classification: Uncertain significance. Last evaluated: 2024-09-11. Review status: criteria provided, single submitter. Criteria: Ambry Variant Classification Scheme 2023. Collection method: clinical testing. Allele origin: germline.